The following is an entry in ClinVar:

ClinVar aggregate classification (germline): Uncertain significance (1 of 4 stars; one submission).

Conditions:
Cardiovascular phenotype. Identifiers: MedGen CN230736.
Hereditary cancer-predisposing syndrome. Also called: Tumor predisposition; Hereditary neoplastic syndrome; Neoplastic Syndromes, Hereditary; Hereditary Cancer Syndrome. Identifiers: Orphanet 140162, MedGen C0027672, MeSH D009386, MONDO:0015356.

Submission:

Ambry Genetics
Classification: Uncertain significance for Cardiovascular phenotype; Hereditary cancer-predisposing syndrome. Last evaluated: 2025-04-13. Review status: criteria provided, single submitter. Criteria: Ambry Variant Classification Scheme 2023. Collection method: clinical testing. Allele origin: germline.
Comment: The p.P427H variant (also known as c.1280C>A), located in coding exon 12 of the NF1 gene, results from a C to A substitution at nucleotide position 1280. The proline at codon 427 is replaced by histidine, an amino acid with similar properties. This amino acid position is conserved. In addition, this alteration is predicted to be deleterious by in silico analysis. Based on the available evidence, the clinical significance of this variant remains unclear.

NM_001042492.3(NF1):c.1280C>A (p.Pro427His)

Gene: NF1 (neurofibromin 1; plus strand). Cytogenetic location: 17q11.2.
Variant type: single nucleotide variant.
Coding change: c.1280C>A on transcript NM_001042492.3 (MANE Select); coding-DNA position 1280, C replaced by A.
Protein change: p.Pro427His; replaces proline 427 with histidine.
Molecular consequence: missense variant.
Genome position (GRCh38, 1-based): chr17:31,206,259, C>A. VCF-style: chr17-31206259-C-A. GRCh37 (hg19) VCF-style: chr17-29533277-C-A.
Other names: c.1280C>A, p.Pro427His (NM_000267.4, NM_001128147.3); short protein forms P427H.
Identifiers: ClinVar variation 4022133 (VCV004022133.1).